The following is an entry in ClinVar:

ClinVar aggregate classification (germline): Uncertain significance (1 of 4 stars; one submission).

Conditions:
Gorlin syndrome. Also called: Nevoid Basal Cell Carcinoma Syndrome; Basal cell nevus syndrome. Identifiers: Orphanet 377, MedGen C0004779, MONDO:0007187.

Submission:

Labcorp Genetics (formerly Invitae), Labcorp
Classification: Uncertain significance for Gorlin syndrome. Last evaluated: 2019-07-27. Review status: criteria provided, single submitter. Criteria: Invitae Variant Classification Sherloc (09022015). Collection method: clinical testing. Allele origin: germline.
Comment: Algorithms developed to predict the effect of missense changes on protein structure and function (SIFT, PolyPhen-2, Align-GVGD) all suggest that this variant is likely to be tolerated, but these predictions have not been confirmed by published functional studies and their clinical significance is uncertain. In summary, the available evidence is currently insufficient to determine the role of this variant in disease. Therefore, it has been classified as a Variant of Uncertain Significance. Algorithms developed to predict the effect of sequence changes on RNA splicing suggest that this variant may create or strengthen a splice site, but this prediction has not been confirmed by published transcriptional studies. This variant has not been reported in the literature in individuals with PTCH1-related conditions. This variant is not present in population databases (ExAC no frequency). This sequence change replaces methionine with isoleucine at codon 561 of the PTCH1 protein (p.Met561Ile). The methionine residue is moderately conserved and there is a small physicochemical difference between methionine and isoleucine.

NM_000264.5(PTCH1):c.1683G>A (p.Met561Ile)

Gene: PTCH1 (patched 1; minus strand). Cytogenetic location: 9q22.32.
Variant type: single nucleotide variant.
Coding change: c.1683G>A on transcript NM_000264.5 (MANE Select); coding-DNA position 1683, G replaced by A.
Protein change: p.Met561Ile; replaces methionine 561 with isoleucine.
Molecular consequence: missense variant. On other transcripts: non-coding transcript variant (1).
Genome position (GRCh38, 1-based): chr9:95,476,079, C>T on the plus strand (G>A on the coding strand, the complement: PTCH1 is on the minus strand). VCF-style: chr9-95476079-C-T. GRCh37 (hg19) VCF-style: chr9-98238361-C-T.
Other names: c.1485G>A, p.Met495Ile (NM_001083602.3); c.1680G>A, p.Met560Ile (NM_001083603.3); c.1230G>A, p.Met410Ile (NM_001083604.3, NM_001083605.3, NM_001083606.3 and 1 more transcripts); c.1527G>A, p.Met509Ile (NM_001354918.2); short protein forms M509I, M560I, M410I, M561I, M495I.
Identifiers: ClinVar variation 939486 (VCV000939486.10), dbSNP rs1841007617, ClinGen allele CA374117962.